The following is an entry in ClinVar:

ClinVar aggregate classification (germline): Uncertain significance (1 of 4 stars; one submission).

gnomAD v4.1: 8 of 1,609,802 alleles (0.0005%); highest among the groups gnomAD compares: Non-Finnish European, 0.00068%; no homozygotes.

Submission:

Labcorp Genetics (formerly Invitae), Labcorp
Classification: Uncertain significance. Last evaluated: 2025-05-17. Review status: criteria provided, single submitter. Criteria: Invitae Variant Classification Sherloc (09022015). Collection method: clinical testing. Allele origin: germline.
Comment: This sequence change falls in intron 7 of the IKZF1 gene. It does not directly change the encoded amino acid sequence of the IKZF1 protein. It affects a nucleotide within the consensus splice site. This variant is not present in population databases (gnomAD no frequency). This variant has not been reported in the literature in individuals affected with IKZF1-related conditions. Variants that disrupt the consensus splice site are a relatively common cause of aberrant splicing (PMID: 17576681, 9536098). Algorithms developed to predict the effect of sequence changes on RNA splicing suggest that this variant may create or strengthen a splice site. In summary, the available evidence is currently insufficient to determine the role of this variant in disease. Therefore, it has been classified as a Variant of Uncertain Significance.

Literature cited by the submitters: PubMed 17576681; PubMed 9536098.

NM_006060.6(IKZF1):c.850+6A>G

Gene: IKZF1 (IKAROS family zinc finger 1; plus strand). Cytogenetic location: 7p12.2.
Variant type: single nucleotide variant.
Coding change: c.850+6A>G on transcript NM_006060.6 (MANE Select); 6 bases into the intron after coding-DNA position 850, A replaced by G.
Molecular consequence: intron variant.
Genome position (GRCh38, 1-based): chr7:50,391,869, A>G. VCF-style: chr7-50391869-A-G. GRCh37 (hg19) VCF-style: chr7-50459567-A-G.
Other names: c.910+6A>G (NM_001410879.1); c.463+6A>G (NM_001291839.2); c.724+6A>G (NM_001220765.3, NM_001291837.2); c.589+6A>G (NM_001291838.2); c.590-8049A>G (NM_001220768.2); c.422-8049A>G (NM_001220771.2); c.559+36A>G (NM_001220767.2); c.433+36A>G (NM_001220770.2); and 5 more.
Identifiers: ClinVar variation 4804823 (VCV004804823.1).
Genomic context (GRCh38, chr7:50,391,869, plus strand): 5'-AGACTAGCAAGTAACGTCGCCAAACGTAAGAGCTCTATGCCTCAGAAATTTCTTGGTAAG[A>G]GTTAAATGTTTGCTGTCTCTTAAAAAAAAACTATGTGGGTGTTTTAGATGCAAGTAGAAA-3'